The following is an entry in ClinVar:

ClinVar aggregate classification (germline): Likely pathogenic (1 of 4 stars; one submission).

Conditions:
Epilepsy, progressive myoclonic, 11. Identifiers: MedGen C5394362, MONDO:0030034, OMIM 618876.

Submission:

Dasa
Classification: Likely pathogenic for Epilepsy, progressive myoclonic, 11. Last evaluated: 2026-03-05. Review status: criteria provided, single submitter. Criteria: DASA Assertion Criteria. Collection method: clinical testing. Allele origin: germline.
Comment: NM_032108.4(SEMA6B):c.2149C>T (p.Gln717*) is a nonsense variant in SEMA6B predicted to introduce a premature termination codon and is predicted to result in an absent or altered protein product. Loss of function is an established disease mechanism for SEMA6B-associated disorders. Also, this variant is rare in population databases. Based on the currently available evidence, this variant is classified as likely pathogenic.

NM_032108.4(SEMA6B):c.2149C>T (p.Gln717Ter)

Gene: SEMA6B (semaphorin 6B; minus strand). Cytogenetic location: 19p13.3.
Variant type: single nucleotide variant.
Coding change: c.2149C>T on transcript NM_032108.4 (MANE Select); coding-DNA position 2149, C replaced by T.
Protein change: p.Gln717Ter; replaces glutamine 717 with a stop codon.
Molecular consequence: nonsense.
Genome position (GRCh38, 1-based): chr19:4,544,119, G>A on the plus strand (C>T on the coding strand, the complement: SEMA6B is on the minus strand). VCF-style: chr19-4544119-G-A. GRCh37 (hg19) VCF-style: chr19-4544131-G-A.
Other names: short protein forms Q717*.
Identifiers: ClinVar variation 4884208 (VCV004884208.2).